The following is an entry in ClinVar:

ClinVar aggregate classification (germline): Uncertain significance (1 of 4 stars; one submission).

Submission:

Labcorp Genetics (formerly Invitae), Labcorp
Classification: Uncertain significance. Last evaluated: 2023-08-04. Review status: criteria provided, single submitter. Criteria: Invitae Variant Classification Sherloc (09022015). Collection method: clinical testing. Allele origin: unknown.
Comment: In summary, the available evidence is currently insufficient to determine the role of this variant in disease. Therefore, it has been classified as a Variant of Uncertain Significance. This variant has not been reported in the literature in individuals affected with TRAP1-related conditions. This variant is a gross deletion of the genomic region encompassing exon(s) 7 of the TRAP1 gene. This deletion is out-of-frame, and is expected to create a premature translational stop signal and result in an absent or disrupted protein product. However, the current clinical and genetic evidence is not sufficient to establish whether loss-of-function variants in TRAP1 cause disease.

NC_000016.9:g.(?_3726017)_(3726166_?)del

Gene: TRAP1 (TNF receptor associated protein 1; minus strand). Cytogenetic location: 16p13.3.
Variant type: Deletion.
Identifiers: ClinVar variation 3243652 (VCV003243652.1).